The following is an entry in ClinVar:

NM_000135.4(FANCA):c.814A>T (p.Arg272Ter)

Gene: FANCA (FA complementation group A; minus strand). Cytogenetic location: 16q24.3.
Variant type: single nucleotide variant.
Coding change: c.814A>T on transcript NM_000135.4 (MANE Select); coding-DNA position 814, A replaced by T.
Protein change: p.Arg272Ter; replaces arginine 272 with a stop codon.
Molecular consequence: nonsense.
Genome position (GRCh38, 1-based): chr16:89,799,617, T>A on the plus strand (A>T on the coding strand, the complement: FANCA is on the minus strand). VCF-style: chr16-89799617-T-A. GRCh37 (hg19) VCF-style: chr16-89866025-T-A.
Other names: c.814A>T, p.Arg272Ter (NM_001018112.3, NM_001286167.3); c.718A>T, p.Arg240Ter (NM_001351830.2); short protein forms R240*, R272*.
Identifiers: ClinVar variation 2697296 (VCV002697296.3), dbSNP rs2544305562, ClinGen allele CA397473520.

ClinVar aggregate classification (germline): Pathogenic (1 of 4 stars; one submission).

Conditions:
Fanconi anemia (FA). Also called: Fanconi's anemia. Identifiers: Orphanet 84, MedGen C0015625, MeSH D005199, MONDO:0019391.

Submission:

Labcorp Genetics (formerly Invitae), Labcorp
Classification: Pathogenic for Fanconi anemia. Last evaluated: 2023-06-07. Review status: criteria provided, single submitter. Criteria: Invitae Variant Classification Sherloc (09022015). Collection method: clinical testing. Allele origin: germline.
Comment: This variant is not present in population databases (gnomAD no frequency). This sequence change creates a premature translational stop signal (p.Arg272*) in the FANCA gene. It is expected to result in an absent or disrupted protein product. Loss-of-function variants in FANCA are known to be pathogenic (PMID: 19367192). This variant has not been reported in the literature in individuals affected with FANCA-related conditions. For these reasons, this variant has been classified as Pathogenic.

Literature cited by the submitters: PubMed 19367192.